The following is an entry in ClinVar:

ClinVar aggregate classification (germline): Uncertain significance (1 of 4 stars; one submission).

Conditions:
Centronuclear myopathy (CNM). Also called: Centronuclear myopathy, congenital; Myotubular myopathy. Identifiers: Orphanet 595, MedGen C0175709, MONDO:0018947. Inheritance: All.

Submission:

Muscle and Diseases Team, Institut de Génétique et Biologie Moléculaire et Cellulaire
Classification: Uncertain significance for Centronuclear myopathy. Last evaluated: 2024-03-01. Review status: criteria provided, single submitter. Criteria: ACMG Guidelines, 2015. Collection method: research. Allele origin: unknown. Affected: yes. Observed: 1 variant allele.
Comment: PM2+PP2+PP3

Literature cited by the submitters: DOI 10.1186/s13073-024-01353-0; PubMed 28818389.

NM_000540.3(RYR1):c.10882C>G (p.Arg3628Gly)

Gene: RYR1 (ryanodine receptor 1; plus strand). Cytogenetic location: 19q13.2.
Variant type: single nucleotide variant.
Coding change: c.10882C>G on transcript NM_000540.3 (MANE Select); coding-DNA position 10882, C replaced by G.
Protein change: p.Arg3628Gly; replaces arginine 3628 with glycine.
Molecular consequence: missense variant.
Genome position (GRCh38, 1-based): chr19:38,528,363, C>G. VCF-style: chr19-38528363-C-G. GRCh37 (hg19) VCF-style: chr19-39019003-C-G.
Other names: c.10867C>G, p.Arg3623Gly (NM_001042723.2); short protein forms R3623G, R3628G.
Identifiers: ClinVar variation 3233233 (VCV003233233.2), dbSNP rs1971573489.